The following is an entry in ClinVar:

NM_001035.3(RYR2):c.7542G>A (p.Leu2514=)

Gene: RYR2 (ryanodine receptor 2; plus strand). Cytogenetic location: 1q43.
Variant type: single nucleotide variant.
Coding change: c.7542G>A on transcript NM_001035.3 (MANE Select); coding-DNA position 7542, G replaced by A.
Protein change: p.Leu2514=; no amino-acid change (leucine 2514 retained).
Molecular consequence: synonymous variant.
Genome position (GRCh38, 1-based): chr1:237,649,906, G>A. VCF-style: chr1-237649906-G-A. GRCh37 (hg19) VCF-style: chr1-237813206-G-A.
Other names: p.L2514L:TTG>TTA; c.7542G>A, p.Leu2514= (LRG_402t1).
Identifiers: ClinVar variation 201176 (VCV000201176.47), dbSNP rs371088367, ClinGen allele CA010733.

ClinVar aggregate classification (germline): Conflicting classifications of pathogenicity. Review status: criteria provided, conflicting classifications (1 of 4 stars). 10 submissions from 9 submitters: Uncertain significance (1); Benign (2); Likely benign (6). 1 of the submissions does not count toward it. Last evaluated 2026-02-01.

Conditions:
RYR2-related disorder. Also called: RYR2-related condition.
Catecholaminergic polymorphic ventricular tachycardia (CVPT). Also called: Catecholamine-induced polymorphic ventricular tachycardia. Identifiers: Orphanet 3286, MedGen C5574922, MONDO:0017990.
Cardiovascular phenotype. Identifiers: MedGen CN230736.
Catecholaminergic polymorphic ventricular tachycardia 1. Also called: RYR2-Related Catecholaminergic Polymorphic Ventricular Tachycardia; VENTRICULAR TACHYCARDIA, CATECHOLAMINERGIC POLYMORPHIC, 1, WITH OR WITHOUT ATRIAL DYSFUNCTION AND/OR DILATED CARDIOMYOPATHY; VENTRICULAR TACHYCARDIA, STRESS-INDUCED POLYMORPHIC 1. Identifiers: Orphanet 3286, MedGen C1631597, MONDO:0011484, OMIM 604772.
Cardiomyopathy (CMYO). Also called: Cardiomyopathies. Identifiers: Orphanet 167848, MedGen C0878544, MONDO:0004994, HP:0001638. Inheritance: Various modes of inheritance.
Arrhythmogenic right ventricular dysplasia 2. Identifiers: MedGen C1832931.

Allele frequency attached by ClinVar (database versions not stated): gnomAD 0.00011 and 0.00014; TOPMed 0.00015; ESP Exome Variant Server 0.00016; ExAC 0.00022; gnomAD exomes 0.00022 and 0.00025.
gnomAD v4.1: 371 of 1,613,676 alleles (0.023%); highest among the groups gnomAD compares: South Asian, 0.13%; 1 homozygote.

Submissions (10):

CeGaT Center for Human Genetics Tuebingen
Classification: Likely benign. Last evaluated: 2026-02-01. Review status: criteria provided, single submitter. Criteria: CeGaT Center For Human Genetics Tuebingen Variant Classification Criteria Version 2. Collection method: clinical testing. Allele origin: germline. Affected: yes. Observed: 5 variant alleles.
Comment: RYR2: BP4, BS1

Labcorp Genetics (formerly Invitae), Labcorp
Classification: Benign for Catecholaminergic polymorphic ventricular tachycardia 1. Last evaluated: 2026-01-07. Review status: criteria provided, single submitter. Criteria: Invitae Variant Classification Sherloc (09022015). Collection method: clinical testing. Allele origin: germline.

All of Us Research Program, National Institutes of Health
Classification: Likely benign for Catecholaminergic polymorphic ventricular tachycardia. Last evaluated: 2024-01-11. Review status: criteria provided, single submitter. Criteria: ACMG Guidelines, 2015. Collection method: clinical testing. Allele origin: germline. Inheritance: Autosomal dominant inheritance. Observed: 27 variant alleles, 27 heterozygotes.
Comment: This study involves interpretation of variants in research participants for the purpose of population health screening. Participant phenotype was not available at the time of variant classification. Additional details can be found in publication PMID: 35346344, PMCID: PMC8962531

Blueprint Genetics
Classification: Likely benign. Last evaluated: 2024-01-03. Review status: criteria provided, single submitter. Criteria: ACMG Guidelines, 2015. Collection method: clinical testing. Allele origin: germline.

Color Diagnostics, LLC DBA Color Health
Classification: Likely benign for Cardiomyopathy. Last evaluated: 2018-10-16. Review status: criteria provided, single submitter. Criteria: ACMG Guidelines, 2015. Collection method: clinical testing. Allele origin: germline.

Illumina Laboratory Services, Illumina
Classification: Uncertain significance for Catecholaminergic polymorphic ventricular tachycardia 1. Last evaluated: 2018-01-13. Review status: criteria provided, single submitter. Criteria: ICSL Variant Classification Criteria 13 December 2019. Collection method: clinical testing. Allele origin: germline.

Illumina Laboratory Services, Illumina
Classification: Likely benign for Catecholaminergic polymorphic ventricular tachycardia 1. Last evaluated: 2018-01-13. Review status: criteria provided, single submitter. Criteria: ICSL Variant Classification Criteria 13 December 2019. Collection method: clinical testing. Allele origin: germline.
Comment: This variant was observed in the ICSL laboratory as part of a predisposition screen in an ostensibly healthy population. It had not been previously curated by ICSL or reported in the Human Gene Mutation Database (HGMD: prior to June 1st, 2018), and was therefore a candidate for classification through an automated scoring system. Utilizing variant allele frequency, disease prevalence and penetrance estimates, and inheritance mode, an automated score was calculated to assess if this variant is too frequent to cause the disease. Based on the score and internal cut-off values, a variant classified as likely benign is not then subjected to further curation. The score for this variant resulted in a classification of likely benign for this disease.

Ambry Genetics
Classification: Likely benign for Cardiovascular phenotype. Last evaluated: 2015-12-01. Review status: criteria provided, single submitter. Criteria: Ambry Variant Classification Scheme 2023. Collection method: clinical testing. Allele origin: germline.

GeneDx
Classification: Benign. Last evaluated: 2014-07-02. Review status: criteria provided, single submitter. Criteria: GeneDx Variant Classification (06012015). Collection method: clinical testing. Allele origin: germline. Affected: yes.
Comment: This variant is considered likely benign or benign based on one or more of the following criteria: it is a conservative change, it occurs at a poorly conserved position in the protein, it is predicted to be benign by multiple in silico algorithms, and/or has population frequency not consistent with disease.

PreventionGenetics, part of Exact Sciences
Classification: Likely benign for RYR2-related condition. Last evaluated: 2024-08-16. Review status: no assertion criteria provided. Collection method: clinical testing. Allele origin: germline. Not counted in ClinVar's aggregate classification.
Comment: This variant is classified as likely benign based on ACMG/AMP sequence variant interpretation guidelines (Richards et al. 2015 PMID: 25741868, with internal and published modifications).